The following is an entry in ClinVar:

ClinVar aggregate classification (germline): Benign (1 of 4 stars; one submission).

Submission:

Laboratory for Molecular Medicine, Mass General Brigham Personalized Medicine
Classification: Benign. Last evaluated: 2016-03-29. Review status: criteria provided, single submitter. Criteria: LMM Criteria. Collection method: clinical testing. Allele origin: germline.
Comment: Variant identified in a genome or exome case(s) and assessed due to predicted null impact of the variant or pathogenic assertions in the literature or databases. Disclaimer: This variant has not undergone full assessment. The following are preliminary notes: Frequency

NM_013427.3(ARHGAP6):c.589-12_589-10del

Gene: ARHGAP6 (Rho GTPase activating protein 6; minus strand). Cytogenetic location: Xp22.2.
Variant type: Deletion.
Coding change: c.589-12_589-10del on transcript NM_013427.3 (MANE Select); 12 bases into the intron before coding-DNA position 589 through 10 bases into the intron before coding-DNA position 589, 3 bases deleted (TTT; older notation c.589-12_589-10delTTT).
Molecular consequence: intron variant.
Genome position (GRCh38, 1-based): chrX:11,254,717-11,254,719, AAA deleted on the plus strand (TTT on the coding strand, the reverse complement: ARHGAP6 is on the minus strand); deleting any 3 consecutive bases within chrX:11,254,717-11,254,738 gives the same sequence; the c. name uses the placement nearest the transcript's 3' end. VCF-style (leftmost placement, unchanged base first): chrX-11254716-CAAA-C. GRCh37 (hg19) VCF-style: chrX-11272836-CAAA-C.
Other names: c.49-12_49-10del (NM_001287242.2); c.-21-12_-21-10del (NM_013423.3); c.589-12_589-10del (NM_006125.3).
Identifiers: ClinVar variation 402392 (VCV000402392.4), dbSNP rs751080433, ClinGen allele CA10348365.